The following is an entry in ClinVar:

NM_001042492.3(NF1):c.2724dup (p.Val909fs)

Gene: NF1 (neurofibromin 1; plus strand). Cytogenetic location: 17q11.2.
Variant type: Duplication.
Coding change: c.2724dup on transcript NM_001042492.3 (MANE Select); coding-DNA position 2724, one base duplicated (A; older notation c.2724dupA).
Protein change: p.Val909fs; shifts the reading frame from valine 909.
Molecular consequence: frameshift variant.
Genome position (GRCh38, 1-based): chr17:31,229,339, A duplicated; the last of 3 consecutive A bases (chr17:31,229,337-31,229,339); duplicating any one gives the same sequence. VCF-style (leftmost placement, unchanged base first): chr17-31229336-G-GA. GRCh37 (hg19) VCF-style: chr17-29556354-G-GA.
Other names: c.2724dup, p.Val909Serfs (NM_000267.4); short protein forms V909fs.
Identifiers: ClinVar variation 952769 (VCV000952769.6), dbSNP rs2067072110, ClinGen allele CA1139665436.

ClinVar aggregate classification (germline): Pathogenic (1 of 4 stars; one submission).

Conditions:
Neurofibromatosis, type 1 (NF1). Also called: VON RECKLINGHAUSEN DISEASE; NEUROFIBROMATOSIS, TYPE I, SOMATIC; Peripheral type neurofibromatosis; Neurofibromatosis, type I. Identifiers: Orphanet 636, MedGen C0027831, MONDO:0018975, OMIM 162200. Disease mechanism: loss of function.

Submission:

Labcorp Genetics (formerly Invitae), Labcorp
Classification: Pathogenic for Neurofibromatosis, type 1. Last evaluated: 2019-04-23. Review status: criteria provided, single submitter. Criteria: Invitae Variant Classification Sherloc (09022015). Collection method: clinical testing. Allele origin: germline.
Comment: This variant is not present in population databases (ExAC no frequency). This sequence change creates a premature translational stop signal (p.Val909Serfs*10) in the NF1 gene. It is expected to result in an absent or disrupted protein product. This variant has not been reported in the literature in individuals with NF1-related conditions. For these reasons, this variant has been classified as Pathogenic. Loss-of-function variants in NF1 are known to be pathogenic (PMID: 10712197, 23913538).

Literature cited by the submitters: PubMed 10712197; PubMed 23913538.